The following is an entry in ClinVar:

NM_002858.4(ABCD3):c.897+1G>A

Gene: ABCD3 (ATP binding cassette subfamily D member 3; plus strand). Cytogenetic location: 1p21.3.
Variant type: single nucleotide variant.
Coding change: c.897+1G>A on transcript NM_002858.4 (MANE Select); the canonical splice donor site of the intron after coding-DNA position 897, G replaced by A.
Molecular consequence: splice donor variant.
Genome position (GRCh38, 1-based): chr1:94,483,240, G>A. VCF-style: chr1-94483240-G-A. GRCh37 (hg19) VCF-style: chr1-94948796-G-A.
Identifiers: ClinVar variation 3659137 (VCV003659137.2).

ClinVar aggregate classification (germline): Uncertain significance (1 of 4 stars; one submission).

gnomAD v4.1: 1 of 1,611,612 alleles (0.000062%); highest among the groups gnomAD compares: South Asian, 0.0011%; no homozygotes.

Submission:

Labcorp Genetics (formerly Invitae), Labcorp
Classification: Uncertain significance. Last evaluated: 2024-07-10. Review status: criteria provided, single submitter. Criteria: Invitae Variant Classification Sherloc (09022015). Collection method: clinical testing. Allele origin: germline.
Comment: This sequence change affects a donor splice site in intron 10 of the ABCD3 gene. It is expected to disrupt RNA splicing. Variants that disrupt the donor or acceptor splice site typically lead to a loss of protein function (PMID: 16199547), however the current clinical and genetic evidence is not sufficient to establish whether loss-of-function variants in ABCD3 cause disease. This variant is not present in population databases (gnomAD no frequency). This variant has not been reported in the literature in individuals affected with ABCD3-related conditions. Algorithms developed to predict the effect of sequence changes on RNA splicing suggest that this variant may disrupt the consensus splice site. In summary, the available evidence is currently insufficient to determine the role of this variant in disease. Therefore, it has been classified as a Variant of Uncertain Significance.

Literature cited by the submitters: PubMed 16199547.